The following is an entry in ClinVar:

ClinVar aggregate classification (germline): Uncertain significance (1 of 4 stars; one submission).

Allele frequency attached by ClinVar (database versions not stated): ExAC 0.00001; gnomAD 0.00001; gnomAD exomes 0.00001; TOPMed 0.00002.
gnomAD v4.1: 4 of 1,613,414 alleles (0.00025%); highest among the groups gnomAD compares: Admixed American, 0.0067%; no homozygotes.

Submission:

Ambry Genetics
Classification: Uncertain significance. Last evaluated: 2023-02-04. Review status: criteria provided, single submitter. Criteria: Ambry Variant Classification Scheme 2023. Collection method: clinical testing. Allele origin: germline.
Comment: The p.R203G variant (also known as c.607A>G), located in coding exon 4 of the MNDA gene, results from an A to G substitution at nucleotide position 607. The arginine at codon 203 is replaced by glycine, an amino acid with dissimilar properties. This amino acid position is conserved. In addition, this alteration is predicted to be tolerated by in silico analysis. Since supporting evidence is limited at this time, the clinical significance of this alteration remains unclear.

NM_002432.3(MNDA):c.607A>G (p.Arg203Gly)

Gene: MNDA (myeloid cell nuclear differentiation antigen; plus strand). Cytogenetic location: 1q23.1.
Variant type: single nucleotide variant.
Coding change: c.607A>G on transcript NM_002432.3 (MANE Select); coding-DNA position 607, A replaced by G.
Protein change: p.Arg203Gly; replaces arginine 203 with glycine.
Molecular consequence: missense variant.
Genome position (GRCh38, 1-based): chr1:158,845,623, A>G. VCF-style: chr1-158845623-A-G. GRCh37 (hg19) VCF-style: chr1-158815413-A-G.
Other names: short protein forms R203G.
Identifiers: ClinVar variation 2496997 (VCV002496997.2), dbSNP rs761052862, ClinGen allele CA1185673.